The following is an entry in ClinVar:

NM_000528.4(MAN2B1):c.1645-2A>T

Gene: MAN2B1 (mannosidase alpha class 2B member 1; minus strand). Cytogenetic location: 19p13.13.
Variant type: single nucleotide variant.
Coding change: c.1645-2A>T on transcript NM_000528.4 (MANE Select); the canonical splice acceptor site of the intron before coding-DNA position 1645, A replaced by T.
Molecular consequence: splice acceptor variant.
Genome position (GRCh38, 1-based): chr19:12,655,881, T>A on the plus strand (A>T on the coding strand, the complement: MAN2B1 is on the minus strand). VCF-style: chr19-12655881-T-A. GRCh37 (hg19) VCF-style: chr19-12766695-T-A.
Other names: c.1642-2A>T (NM_001173498.2).
Identifiers: ClinVar variation 558627 (VCV000558627.3), dbSNP rs891030696, ClinGen allele CA305469722.
Genomic context (GRCh38, chr19:12,655,881, plus strand): 5'-GCTGAGAACAGCAGCTCCGGAGGGTGCGCCTGGCTGTCTGAGCTGGGAAATATTACCACC[T>A]CGGATAAAGGAGGAGGGAAACTGAGTCAAGAGTACCCATGGAAAGCTATACATGCATGGA-3'

ClinVar aggregate classification (germline): Likely pathogenic. Review status: criteria provided, single submitter (1 of 4 stars). 2 submissions from 2 submitters: Likely pathogenic (1). 1 of the submissions does not count toward it. Last evaluated 2023-02-02.

Conditions:
Deficiency of alpha-mannosidase (MANSA). Also called: Mannosidosis, alpha-, types I and II; Alpha-Mannosidosis; LYSOSOMAL ALPHA-D-MANNOSIDASE DEFICIENCY. Identifiers: Orphanet 61, MedGen C0024748, MONDO:0009561, OMIM 248500.

Allele frequency attached by ClinVar (database versions not stated): gnomAD exomes below 0.00001; TOPMed below 0.00001; gnomAD 0.00001.
gnomAD v4.1: 2 of 1,612,728 alleles (0.00012%); highest among the groups gnomAD compares: African/African-American, 0.0027%; no homozygotes.

Submissions (2):

Women's Health and Genetics/Laboratory Corporation of America, LabCorp
Classification: Likely pathogenic for Deficiency of alpha-mannosidase. Last evaluated: 2023-02-02. Review status: criteria provided, single submitter. Criteria: LabCorp Variant Classification Summary - May 2015. Collection method: clinical testing. Allele origin: germline.
Comment: Variant summary: MAN2B1 c.1645-2A>T is located in a canonical splice-site and is predicted to affect mRNA splicing resulting in a significantly altered protein due to either exon skipping, shortening, or inclusion of intronic material. Several computational tools predict a significant impact on normal splicing: Three predict the variant abolishes the canonical 3' acceptor site. However, these predictions have yet to be confirmed by functional studies. The variant allele was found at a frequency of 4e-06 in 249896 control chromosomes (gnomAD). To our knowledge, no occurrence of c.1645-2A>T in individuals affected with Alpha-Mannosidosis and no experimental evidence demonstrating its impact on protein function have been reported. One clinical diagnostic laboratory has submitted clinical-significance assessments for this variant to ClinVar after 2014 and classified the variant as likely pathogenic. Based on the evidence outlined above, the variant was classified as likely pathogenic.

Counsyl
Classification: Likely pathogenic for Deficiency of alpha-mannosidase. Last evaluated: 2018-06-04. Review status: no assertion criteria provided. Collection method: clinical testing. Allele origin: unknown. Not counted in ClinVar's aggregate classification.